The following is an entry in ClinVar:

NM_000219.6(KCNE1):c.56A>C (p.Glu19Ala)

Gene: KCNE1 (potassium voltage-gated channel subfamily E regulatory subunit 1; minus strand). Cytogenetic location: 21q22.12.
Variant type: single nucleotide variant.
Coding change: c.56A>C on transcript NM_000219.6 (MANE Select); coding-DNA position 56, A replaced by C.
Protein change: p.Glu19Ala; replaces glutamic acid 19 with alanine.
Molecular consequence: missense variant.
Genome position (GRCh38, 1-based): chr21:34,449,579, T>G on the plus strand (A>C on the coding strand, the complement: KCNE1 is on the minus strand). VCF-style: chr21-34449579-T-G. GRCh37 (hg19) VCF-style: chr21-35821877-T-G.
Other names: c.56A>C, p.Glu19Ala (NM_001127668.4, NM_001127669.4, NM_001127670.4 and 4 more transcripts); short protein forms E19A.
Identifiers: ClinVar variation 3373925 (VCV003373925.2).

Conditions:
Long QT syndrome 5 (LQT5). Identifiers: Orphanet 101016, Orphanet 768, MedGen C1867904, MONDO:0013372, OMIM 613695.

Submission:

Roden Lab, Vanderbilt University Medical Center
No classification provided (evidence only). Condition: Long QT syndrome 5. Review status: no classification provided. Collection method: in vitro. Allele origin: not applicable. Functional consequence: Effect on ion channel function.
ClinVar note: "not provided" was previously submitted as the classification for the variant. However, the classification appeared to be based only on an observation of functional data so it was converted to no classification on 2025-07-30.